The following is an entry in ClinVar:

ClinVar aggregate classification (germline): Uncertain significance (1 of 4 stars; one submission).

Submission:

GeneDx
Classification: Uncertain significance. Last evaluated: 2025-03-24. Review status: criteria provided, single submitter. Criteria: GeneDx Variant Classification Process June 2021. Collection method: clinical testing. Allele origin: germline. Affected: yes.
Comment: Not observed at significant frequency in large population cohorts (gnomAD); In silico analysis supports that this missense variant has a deleterious effect on protein structure/function; Has not been previously published as pathogenic or benign to our knowledge

NM_001242896.3(DEPDC5):c.2980A>G (p.Asn994Asp)

Gene: DEPDC5 (DEP domain containing 5, GATOR1 subcomplex subunit; plus strand). Cytogenetic location: 22q12.3.
Variant type: single nucleotide variant.
Coding change: c.2980A>G on transcript NM_001242896.3 (MANE Select); coding-DNA position 2980, A replaced by G.
Protein change: p.Asn994Asp; replaces asparagine 994 with aspartic acid.
Molecular consequence: missense variant. On other transcripts: non-coding transcript variant (5).
Genome position (GRCh38, 1-based): chr22:31,845,196, A>G. VCF-style: chr22-31845196-A-G. GRCh37 (hg19) VCF-style: chr22-32241182-A-G.
Other names: c.2953A>G, p.Asn985Asp (NM_001136029.4, NM_001369903.1, NM_014662.6); c.2746A>G, p.Asn916Asp (NM_001242897.2, NM_001363854.2, NM_001364319.2); c.2980A>G, p.Asn994Asp (NM_001363852.2, NM_001364318.2, NM_001364320.2); c.2896A>G, p.Asn966Asp (NM_001369901.1, NM_001369902.1); short protein forms N985D, N994D, N916D, N966D.
Identifiers: ClinVar variation 4087874 (VCV004087874.1).
Genomic context (GRCh38, chr22:31,845,196, plus strand): 5'-CGTGCAGACGAGGACGAGTGGCAACTCCTGGATGGTTTTGTCCGCTTTGTGGAGGGCTTG[A>G]ATCGCATTCGCAGGCGGCATCGCTCGGATCGCATGATGCGGGTAAGGGCTCCTTAGACTC-3'
Protein context (NP_001229825.1, residues 984-1004): DGFVRFVEGL[Asn994Asp]RIRRRHRSDR